The following is an entry in ClinVar:

NM_000142.5(FGFR3):c.184C>G (p.Pro62Ala)

Gene: FGFR3 (fibroblast growth factor receptor 3; plus strand). Cytogenetic location: 4p16.3.
Variant type: single nucleotide variant.
Coding change: c.184C>G on transcript NM_000142.5 (MANE Select); coding-DNA position 184, C replaced by G.
Protein change: p.Pro62Ala; replaces proline 62 with alanine.
Molecular consequence: missense variant. On other transcripts: non-coding transcript variant (1).
Genome position (GRCh38, 1-based): chr4:1,799,328, C>G. VCF-style: chr4-1799328-C-G. GRCh37 (hg19) VCF-style: chr4-1801055-C-G.
Other names: c.184C>G, p.Pro62Ala (NM_001163213.2, NM_001354809.2, NM_001354810.2 and 1 more transcripts); short protein forms P62A.
Identifiers: ClinVar variation 134395 (VCV000134395.11), dbSNP rs533866031, ClinGen allele CA159682.

ClinVar aggregate classification (germline): Likely benign. Review status: criteria provided, multiple submitters, no conflicts (2 of 4 stars). 4 submissions from 4 submitters: Likely benign (3). 1 of the submissions does not count toward it. Last evaluated 2026-06-19.

Allele frequency attached by ClinVar (database versions not stated): TOPMed 0.00001; 1000 Genomes Project 30x 0.00016; 1000 Genomes Project 0.00020.
gnomAD v4.1: 95 of 1,612,628 alleles (0.0059%); highest among the groups gnomAD compares: South Asian, 0.088%; no homozygotes.

Submissions (4):

Women's Health and Genetics/Laboratory Corporation of America, LabCorp
Classification: Likely benign. Last evaluated: 2026-06-19. Review status: criteria provided, single submitter. Criteria: LabCorp Variant Classification Summary - May 2015. Collection method: clinical testing. Allele origin: germline.
Comment: Variant summary: FGFR3 c.184C>G (p.Pro62Ala) results in a non-conservative amino acid change in the encoded protein sequence. Algorithms developed to predict the effect of missense changes on protein structure and function are either unavailable or do not agree on the potential impact of this missense change. The variant allele was found at a frequency of 0.00016 in 245066 control chromosomes, predominantly at a frequency of 0.0012 within the South Asian subpopulation in the gnomAD database. The observed variant frequency within South Asian control individuals in the gnomAD database exceeds the estimated maximal expected allele frequency for disease-causing variants in FGFR3. To our knowledge, no occurrence of c.184C>G in individuals affected with FGFR3-related conditions and no experimental evidence demonstrating its impact on protein function have been reported. ClinVar contains an entry for this variant (Variation ID: 134395). Based on the evidence outlined above, the variant was classified as likely benign.

Labcorp Genetics (formerly Invitae), Labcorp
Classification: Likely benign. Last evaluated: 2025-04-27. Review status: criteria provided, single submitter. Criteria: Invitae Variant Classification Sherloc (09022015). Collection method: clinical testing. Allele origin: germline.

Blueprint Genetics
Classification: Likely benign. Last evaluated: 2023-04-11. Review status: criteria provided, single submitter. Criteria: ACMG Guidelines, 2015. Collection method: clinical testing. Allele origin: germline.

ITMI
No classification provided. Condition: AllHighlyPenetrant. Last evaluated: 2013-09-19. Review status: no classification provided. Collection method: reference population. Allele origin: germline. Not counted in ClinVar's aggregate classification.
Comment: Please see associated publication for description of ethnicities

Literature cited by the submitters: PubMed 24728327 (cited by ITMI).